The following is an entry in ClinVar:

ClinVar aggregate classification (germline): Conflicting classifications of pathogenicity. Review status: criteria provided, conflicting classifications (1 of 4 stars). 8 submissions from 8 submitters: Uncertain significance (6); Likely benign (2). Last evaluated 2025-12-17.

Conditions:
Lynch syndrome. Identifiers: Orphanet 144, MedGen C4552100, MONDO:0005835. Disease mechanism: loss of function.
Hereditary nonpolyposis colorectal neoplasms. Identifiers: MedGen C0009405, MeSH D003123.
Hereditary cancer-predisposing syndrome. Also called: Tumor predisposition; Hereditary Cancer Syndrome; Hereditary neoplastic syndrome; Neoplastic Syndromes, Hereditary. Identifiers: Orphanet 140162, MedGen C0027672, MeSH D009386, MONDO:0015356.
Endometrial carcinoma. Also called: Endometrial carcinoma, somatic. Identifiers: MedGen C0476089, MONDO:0002447, OMIM 608089, HP:0012114.

Allele frequency attached by ClinVar (database versions not stated): gnomAD 0.00001; gnomAD exomes 0.00001 and 0.00002; TOPMed 0.00001.
gnomAD v4.1: 17 of 1,614,014 alleles (0.0011%); highest among the groups gnomAD compares: East Asian, 0.0045%; no homozygotes.

Submissions (8):

Labcorp Genetics (formerly Invitae), Labcorp
Classification: Likely benign for Hereditary nonpolyposis colorectal neoplasms. Last evaluated: 2025-12-17. Review status: criteria provided, single submitter. Criteria: Invitae Variant Classification Sherloc (09022015). Collection method: clinical testing. Allele origin: germline.

Color Diagnostics, LLC DBA Color Health
Classification: Uncertain significance for Hereditary cancer-predisposing syndrome. Last evaluated: 2024-09-23. Review status: criteria provided, single submitter. Criteria: ACMG Guidelines, 2015. Collection method: clinical testing. Allele origin: germline.
Comment: This missense variant replaces arginine with histidine at codon 901 of the MSH6 protein. Computational prediction suggests that this variant may not impact protein structure and function (internally defined REVEL score threshold <= 0.5, PMID: 27666373). To our knowledge, functional studies have not been reported for this variant. This variant has been reported in an individual affected with pancreatic cancer (PMID: 32980694). This variant was also reported in an individual affected with colorectal and endometrial cancer, however, they also carried a pathogenic MLH1 variant (reported as 397delT, fs400stop; PMID: 11153917) that could explain the observed phenotype. This variant has been identified in 7/282034 chromosomes in the general population by the Genome Aggregation Database (gnomAD) and in the 4/13855 Chinese population samples (PMID: 34172528). The available evidence is insufficient to determine the role of this variant in disease conclusively. Therefore, this variant is classified as a Variant of Uncertain Significance.

Quest Diagnostics Nichols Institute San Juan Capistrano
Classification: Uncertain significance. Last evaluated: 2024-09-04. Review status: criteria provided, single submitter. Criteria: Quest Diagnostics criteria. Collection method: clinical testing. Allele origin: unknown.
Comment: The MSH6 c.2702G>A (p.Arg901His) variant has been reported in the published literature in an individual with endometrial and colon cancer who also carried a pathogenic MLH1 variant (PMID: 11153917 (2000)), and in individuals from the Chinese general population (PMID: 34172528 (2021)). In a large scale breast cancer association study, this variant has been observed in both breast cancer cases and reportedly healthy individuals (PMID: 33471991 (2021), see also LOVD). The frequency of this variant in the general population, 0.000023 (3/128562 chromosomes (Genome Aggregation Database)), is uninformative in the assessment of its pathogenicity. Analysis of this variant using bioinformatics tools for the prediction of the effect of amino acid changes on protein structure and function yielded predictions that this variant is benign. Based on the available information, we are unable to determine the clinical significance of this variant.

Ambry Genetics
Classification: Likely benign for Hereditary cancer-predisposing syndrome. Last evaluated: 2024-04-05. Review status: criteria provided, single submitter. Criteria: Ambry Variant Classification Scheme 2023. Collection method: clinical testing. Allele origin: germline.

Baylor Genetics
Classification: Uncertain significance for Endometrial carcinoma. Last evaluated: 2023-07-23. Review status: criteria provided, single submitter. Criteria: ACMG Guidelines, 2015. Collection method: clinical testing. Allele origin: unknown.

All of Us Research Program, National Institutes of Health
Classification: Uncertain significance for Lynch syndrome. Last evaluated: 2023-07-10. Review status: criteria provided, single submitter. Criteria: ACMG Guidelines, 2015. Collection method: clinical testing. Allele origin: germline. Inheritance: Autosomal dominant inheritance. Observed: 1 variant allele, 1 heterozygote.
Comment: This missense variant replaces arginine with histidine at codon 901 of the MSH6 protein. Computational prediction suggests that this variant may not impact protein structure and function (internally defined REVEL score threshold <= 0.5, PMID: 27666373). To our knowledge, functional studies have not been reported for this variant. This variant has been reported in an individual affected with pancreatic cancer (PMID: 32980694). This variant was also reported in an individual affected with colorectal and endometrial cancer, however, they also carried a pathogenic MLH1 variant (reported as 397delT, fs400stop; PMID: 11153917) that could explain the observed phenotype. This variant has been identified in 7/282034 chromosomes in the general population by the Genome Aggregation Database (gnomAD) and in the 4/13855 Chinese population samples (PMID: 34172528). The available evidence is insufficient to determine the role of this variant in disease conclusively. Therefore, this variant is classified as a Variant of Uncertain Significance.

This study involves interpretation of variants in research participants for the purpose of population health screening. Participant phenotype was not available at the time of variant classification. Additional details can be found in publication PMID: 35346344, PMCID: PMC8962531

Department of Pathology and Laboratory Medicine, Sinai Health System
Classification: Uncertain significance for Lynch syndrome. Last evaluated: 2022-06-10. Review status: criteria provided, single submitter. Criteria: ACMG Guidelines, 2015. Collection method: clinical testing. Allele origin: germline. Affected: yes.

GeneDx
Classification: Uncertain significance. Last evaluated: 2019-09-03. Review status: criteria provided, single submitter. Criteria: GeneDx Variant Classification Process June 2021. Collection method: clinical testing. Allele origin: germline. Affected: yes.
Comment: Not observed at a significant frequency in large population cohorts (Lek 2016); In silico analysis, which includes protein predictors and evolutionary conservation, supports that this variant does not alter protein structure/function; Observed in an individual with a personal history of colon and endometrial cancer who was also found to harbor a MLH1 pathogenic variant (Charames 2000).; This variant is associated with the following publications: (PMID: 23621914, 26333163, 11153917)

Literature cited by the submitters: PubMed 32980694 (cited by Color Diagnostics, LLC DBA Color Health and All of Us Research Program, National Institutes of Health); PubMed 34172528 (cited by 3 submitters); PubMed 33471991 (cited by Quest Diagnostics Nichols Institute San Juan Capistrano); PubMed 23621914 (cited by Quest Diagnostics Nichols Institute San Juan Capistrano); PubMed 11153917 (cited by 3 submitters).

NM_000179.3(MSH6):c.2702G>A (p.Arg901His)

Gene: MSH6 (mutS homolog 6; plus strand). Cytogenetic location: 2p16.3.
Variant type: single nucleotide variant.
Coding change: c.2702G>A on transcript NM_000179.3 (MANE Select); coding-DNA position 2702, G replaced by A.
Protein change: p.Arg901His; replaces arginine 901 with histidine.
Molecular consequence: missense variant.
Genome position (GRCh38, 1-based): chr2:47,800,685, G>A. VCF-style: chr2-47800685-G-A. GRCh37 (hg19) VCF-style: chr2-48027824-G-A.
Other names: c.2312G>A, p.Arg771His (NM_001281492.2); c.1796G>A, p.Arg599His (NM_001281493.2, NM_001281494.2); short protein forms R901H, R771H, R599H.
Identifiers: ClinVar variation 89309 (VCV000089309.23), dbSNP rs63749889, ClinGen allele CA010764.